The following is an entry in ClinVar:

ClinVar aggregate classification (germline): Uncertain significance (1 of 4 stars; one submission).

gnomAD v4.1: 2 of 1,613,040 alleles (0.00012%); highest among the groups gnomAD compares: Admixed American, 0.0017%; no homozygotes.

Submission:

GeneDx
Classification: Uncertain significance. Last evaluated: 2023-07-24. Review status: criteria provided, single submitter. Criteria: GeneDx Variant Classification Process June 2021. Collection method: clinical testing. Allele origin: germline. Affected: yes.
Comment: Not observed at significant frequency in large population cohorts (gnomAD); In silico analysis supports that this missense variant has a deleterious effect on protein structure/function; Has not been previously published as pathogenic or benign to our knowledge

NM_024678.6(NARS2):c.1192G>A (p.Gly398Arg)

Gene: NARS2 (asparaginyl-tRNA synthetase 2, mitochondrial; minus strand). Cytogenetic location: 11q14.1.
Variant type: single nucleotide variant.
Coding change: c.1192G>A on transcript NM_024678.6 (MANE Select); coding-DNA position 1192, G replaced by A.
Protein change: p.Gly398Arg; replaces glycine 398 with arginine.
Molecular consequence: missense variant. On other transcripts: non-coding transcript variant (4).
Genome position (GRCh38, 1-based): chr11:78,443,731, C>T on the plus strand (G>A on the coding strand, the complement: NARS2 is on the minus strand). VCF-style: chr11-78443731-C-T. GRCh37 (hg19) VCF-style: chr11-78154777-C-T.
Other names: c.511G>A, p.Gly171Arg (NM_001243251.2, NM_001425312.1, NM_001425313.1 and 1 more transcripts); c.1315G>A, p.Gly439Arg (NM_001425299.1); c.1192G>A, p.Gly398Arg (NM_001425300.1, NM_001425305.1); c.1120G>A, p.Gly374Arg (NM_001425301.1); c.1111G>A, p.Gly371Arg (NM_001425302.1, NM_001425303.1); c.1054G>A, p.Gly352Arg (NM_001425304.1); c.982G>A, p.Gly328Arg (NM_001425306.1); c.964G>A, p.Gly322Arg (NM_001425307.1); and 4 more; short protein forms G171R, G181R, G212R, G308R, G321R, G322R, G328R, G352R.
Identifiers: ClinVar variation 3361454 (VCV003361454.1).